The following is an entry in ClinVar:

ClinVar aggregate classification (germline): Benign/Likely benign. Review status: criteria provided, multiple submitters, no conflicts (2 of 4 stars). 3 submissions from 3 submitters: Benign (1); Likely benign (2). Last evaluated 2026-07-08.

Conditions:
Rhabdoid tumor predisposition syndrome 2 (RTPS2). Identifiers: Orphanet 231108, Orphanet 69077, MedGen C2750074, MONDO:0013224, OMIM 613325.
Hereditary cancer-predisposing syndrome. Also called: Hereditary neoplastic syndrome; Neoplastic Syndromes, Hereditary; Tumor predisposition; Hereditary Cancer Syndrome. Identifiers: Orphanet 140162, MedGen C0027672, MeSH D009386, MONDO:0015356.

Submissions (3):

Myriad Genetics, Inc.
Classification: Benign for Rhabdoid tumor predisposition syndrome 2. Last evaluated: 2026-07-08. Review status: criteria provided, single submitter. Criteria: Myriad Autosomal Dominant, Autosomal Recessive and X-Linked Classification Criteria (2023). Collection method: clinical testing. Allele origin: unknown.
Comment: This variant is considered benign. This variant is a silent/synonymous amino acid change and it is not expected to impact splicing.

Labcorp Genetics (formerly Invitae), Labcorp
Classification: Likely benign for Rhabdoid tumor predisposition syndrome 2. Last evaluated: 2025-12-15. Review status: criteria provided, single submitter. Criteria: Invitae Variant Classification Sherloc (09022015). Collection method: clinical testing. Allele origin: germline.

Ambry Genetics
Classification: Likely benign for Hereditary cancer-predisposing syndrome. Last evaluated: 2022-03-08. Review status: criteria provided, single submitter. Criteria: Ambry Variant Classification Scheme 2023. Collection method: clinical testing. Allele origin: germline.

NM_003072.5(SMARCA4):c.96G>C (p.Pro32=)

Gene: SMARCA4 (SWI/SNF related BAF chromatin remodeling complex subunit ATPase 4; plus strand). Cytogenetic location: 19p13.2.
Variant type: single nucleotide variant.
Coding change: c.96G>C on transcript NM_003072.5 (MANE Select); coding-DNA position 96, G replaced by C.
Protein change: p.Pro32=; no amino-acid change (proline 32 retained).
Molecular consequence: synonymous variant. On other transcripts: non-coding transcript variant (1).
Genome position (GRCh38, 1-based): chr19:10,984,247, G>C. VCF-style: chr19-10984247-G-C. GRCh37 (hg19) VCF-style: chr19-11094923-G-C.
Other names: c.96G>C, p.Pro32= (NM_001128844.3, NM_001128845.2, NM_001128846.2 and 4 more transcripts).
Identifiers: ClinVar variation 761330 (VCV000761330.14), dbSNP rs761597013, ClinGen allele CA505487211.